The following is an entry in ClinVar:

NM_019074.4(DLL4):c.55C>T (p.Leu19Phe)

Gene: DLL4 (delta like canonical Notch ligand 4; plus strand). Cytogenetic location: 15q15.1.
Variant type: single nucleotide variant.
Coding change: c.55C>T on transcript NM_019074.4 (MANE Select); coding-DNA position 55, C replaced by T.
Protein change: p.Leu19Phe; replaces leucine 19 with phenylalanine.
Molecular consequence: missense variant.
Genome position (GRCh38, 1-based): chr15:40,929,723, C>T. VCF-style: chr15-40929723-C-T. GRCh37 (hg19) VCF-style: chr15-41221921-C-T.
Other names: c.55C>T (NM_019074.3); short protein forms L19F.
Identifiers: ClinVar variation 1356035 (VCV001356035.9), dbSNP rs370892158, ClinGen allele CA7487575.
Genomic context (GRCh38, chr15:40,929,723, plus strand): 5'-GAGGGGATGGCGGCAGCGTCCCGGAGCGCCTCTGGCTGGGCGCTACTGCTGCTGGTGGCA[C>T]TTTGGCAGCAGGTAACACGTCCCGCGCCCTCTCCGTCCCCTCTGCCGCGCTCTGGGCCTC-3'
Protein context (NP_061947.1, residues 9-29): SGWALLLLVA[Leu19Phe]WQQRAAGSGV

ClinVar aggregate classification (germline): Conflicting classifications of pathogenicity. Review status: criteria provided, conflicting classifications (1 of 4 stars). 2 submissions from 2 submitters: Uncertain significance (1); Likely benign (1). Last evaluated 2025-10-06.

Conditions:
Inborn genetic diseases. Identifiers: MedGen C0950123, MeSH D030342.

Allele frequency attached by ClinVar (database versions not stated): gnomAD exomes 0.00001 and 0.00005; gnomAD 0.00002 and 0.00003; TOPMed 0.00004; ExAC 0.00007; ESP Exome Variant Server 0.00008; 1000 Genomes Project 0.00020; 1000 Genomes Project 30x 0.00031.

Submissions (2):

Labcorp Genetics (formerly Invitae), Labcorp
Classification: Uncertain significance. Last evaluated: 2025-10-06. Review status: criteria provided, single submitter. Criteria: Invitae Variant Classification Sherloc (09022015). Collection method: clinical testing. Allele origin: germline.
Comment: This sequence change replaces leucine, which is neutral and non-polar, with phenylalanine, which is neutral and non-polar, at codon 19 of the DLL4 protein (p.Leu19Phe). This variant is present in population databases (rs370892158, gnomAD 0.01%). This variant has not been reported in the literature in individuals affected with DLL4-related conditions. ClinVar contains an entry for this variant (Variation ID: 1356035). Invitae Evidence Modeling of protein sequence and biophysical properties (such as structural, functional, and spatial information, amino acid conservation, physicochemical variation, residue mobility, and thermodynamic stability) indicates that this missense variant is not expected to disrupt DLL4 protein function with a negative predictive value of 80%. In summary, the available evidence is currently insufficient to determine the role of this variant in disease. Therefore, it has been classified as a Variant of Uncertain Significance.

Ambry Genetics
Classification: Likely benign for Inborn genetic diseases. Last evaluated: 2024-04-12. Review status: criteria provided, single submitter. Criteria: Ambry Variant Classification Scheme 2023. Collection method: clinical testing. Allele origin: germline.